The following is an entry in ClinVar:

NM_001001662.3(ZNF782):c.1479A>G (p.Leu493=)

Gene: ZNF782 (zinc finger protein 782; minus strand). Cytogenetic location: 9q22.33.
Variant type: single nucleotide variant.
Coding change: c.1479A>G on transcript NM_001001662.3 (MANE Select); coding-DNA position 1479, A replaced by G.
Protein change: p.Leu493=; no amino-acid change (leucine 493 retained).
Molecular consequence: synonymous variant.
Genome position (GRCh38, 1-based): chr9:96,818,544, T>C on the plus strand (A>G on the coding strand, the complement: ZNF782 is on the minus strand). VCF-style: chr9-96818544-T-C. GRCh37 (hg19) VCF-style: chr9-99580826-T-C.
Other names: c.1479A>G, p.Leu493= (NM_001346991.2); c.1407A>G, p.Leu469= (NM_001346993.2); c.1083A>G, p.Leu361= (NM_001346995.2).
Identifiers: ClinVar variation 4085655 (VCV004085655.8).
Genomic context (GRCh38, chr9:96,818,544, plus strand): 5'-TTTCCCACATTCATCACATTTATATGGTCTTTCCCCTGTGTGAGTTCTTCGGTGATTCCT[T>C]AGGCCTGACATATGGCTGAAAGATTTCCCGCATTCATTACATTCAAAAGGTTTCTCCCCT-3'
Protein context (NP_001001662.1, residues 483-503): CGKSFSHMSG[Leu493=]RNHRRTHTGE

ClinVar aggregate classification (germline): Likely benign (1 of 4 stars; one submission).

gnomAD v4.1: 2 of 1,613,412 alleles (0.00012%); highest among the groups gnomAD compares: African/African-American, 0.0013%; no homozygotes.

Submission:

CeGaT Center for Human Genetics Tuebingen
Classification: Likely benign. Last evaluated: 2025-08-01. Review status: criteria provided, single submitter. Criteria: CeGaT Center For Human Genetics Tuebingen Variant Classification Criteria Version 2. Collection method: clinical testing. Allele origin: germline. Affected: yes. Observed: 1 variant allele.
Comment: ZNF782: BP4, BP7